The following is an entry in ClinVar:

ClinVar aggregate classification (germline): Pathogenic (1 of 4 stars; one submission).

Conditions:
Refsum disease, classic. Also called: HEREDOPATHIA ATACTICA POLYNEURITIFORMIS; HMSN IV; PHYTANIC ACID OXIDASE DEFICIENCY; PHYH-Related Refsum Disease. Identifiers: Orphanet 773, MedGen C5780941, MONDO:1060256, OMIM 266500. Disease mechanism: loss of function.

Submission:

Myriad Genetics, Inc.
Classification: Pathogenic for Refsum disease, classic. Last evaluated: 2024-05-14. Review status: criteria provided, single submitter. Criteria: Myriad Autosomal Dominant, Autosomal Recessive and X-Linked Classification Criteria (2023). Collection method: clinical testing. Allele origin: unknown.
Comment: NM_006214.3(PHYH):c.658dupC(H220Pfs*11) is expected to be pathogenic in the context of Refsum disease, PHYH-related. This variant is predicted to lead to an abnormal or absent protein product due to the creation of a premature termination codon in PHYH, a gene where loss-of-function variants are known to be pathogenic. Please note: this variant was assessed in the context of healthy population screening.

NM_006214.4(PHYH):c.658dup (p.His220fs)

Gene: PHYH (phytanoyl-CoA 2-hydroxylase; minus strand). Cytogenetic location: 10p13.
Variant type: Duplication.
Coding change: c.658dup on transcript NM_006214.4 (MANE Select); coding-DNA position 658, one base duplicated (C; older notation c.658dupC).
Protein change: p.His220fs; shifts the reading frame from histidine 220.
Molecular consequence: frameshift variant. On other transcripts: intron variant (1).
Genome position (GRCh38, 1-based): chr10:13,288,380, G duplicated on the plus strand (C on the coding strand, the reverse complement: PHYH is on the minus strand); the first of 4 consecutive G bases (chr10:13,288,380-13,288,383); duplicating any one gives the same sequence. VCF-style (leftmost placement, unchanged base first): chr10-13288379-T-TG. GRCh37 (hg19) VCF-style: chr10-13330379-T-TG.
Other names: c.358dup, p.His120fs (NM_001037537.2, NM_001323080.2); c.664dup, p.His222fs (NM_001323082.2); c.364dup, p.His122fs (NM_001323084.2); c.415-4541dup (NM_001323083.2); short protein forms H120fs, H122fs, H220fs, H222fs.
Identifiers: ClinVar variation 5010509 (VCV005010509.1).